The following is an entry in ClinVar:

ClinVar aggregate classification (germline): Uncertain significance (1 of 4 stars; one submission).

Submission:

GeneDx
Classification: Uncertain significance. Last evaluated: 2020-07-13. Review status: criteria provided, single submitter. Criteria: GeneDx Variant Classification Process June 2021. Collection method: clinical testing. Allele origin: germline. Affected: yes.
Comment: Not observed in large population cohorts (Lek et al., 2016); In silico analysis supports that this missense variant does not alter protein structure/function; Has not been previously published as pathogenic or benign to our knowledge

NM_000702.4(ATP1A2):c.2816A>G (p.Asn939Ser)

Gene: ATP1A2 (ATPase Na+/K+ transporting subunit alpha 2; plus strand). Cytogenetic location: 1q23.2.
Variant type: single nucleotide variant.
Coding change: c.2816A>G on transcript NM_000702.4 (MANE Select); coding-DNA position 2816, A replaced by G.
Protein change: p.Asn939Ser; replaces asparagine 939 with serine.
Molecular consequence: missense variant.
Genome position (GRCh38, 1-based): chr1:160,137,007, A>G. VCF-style: chr1-160137007-A-G. GRCh37 (hg19) VCF-style: chr1-160106797-A-G.
Other names: short protein forms N939S.
Identifiers: ClinVar variation 1308942 (VCV001308942.2), dbSNP rs2101996579, ClinGen allele CA343252838.
Genomic context (GRCh38, chr1:160,137,007, plus strand): 5'-TCTTTGCCAGCATCGTGGTGGTGCAGTGGGCTGACCTCATCATCTGCAAGACCCGCCGCA[A>G]CTCAGTCTTCCAGCAGGGCATGAAGTGAGTGCCCACCCCCATGGCACCTACCCACCCAGG-3'
Protein context (NP_000693.1, residues 929-949): ADLIICKTRR[Asn939Ser]SVFQQGMKNK